The following is an entry in ClinVar:

NM_001184880.2(PCDH19):c.77A>C (p.Lys26Thr)

Gene: PCDH19 (protocadherin 19; minus strand). Cytogenetic location: Xq22.1.
Variant type: single nucleotide variant.
Coding change: c.77A>C on transcript NM_001184880.2 (MANE Select); coding-DNA position 77, A replaced by C.
Protein change: p.Lys26Thr; replaces lysine 26 with threonine.
Molecular consequence: missense variant.
Genome position (GRCh38, 1-based): chrX:100,408,521, T>G on the plus strand (A>C on the coding strand, the complement: PCDH19 is on the minus strand). VCF-style: chrX-100408521-T-G. GRCh37 (hg19) VCF-style: chrX-99663519-T-G.
Other names: c.77A>C, p.Lys26Thr (NM_001105243.2, NM_020766.3); short protein forms K26T.
Identifiers: ClinVar variation 1312185 (VCV001312185.2), dbSNP rs755403368, ClinGen allele CA414011427.

ClinVar aggregate classification (germline): Uncertain significance (1 of 4 stars; one submission).

Submission:

GeneDx
Classification: Uncertain significance. Last evaluated: 2019-09-13. Review status: criteria provided, single submitter. Criteria: GeneDx Variant Classification Process June 2021. Collection method: clinical testing. Allele origin: germline. Affected: yes.
Comment: Not observed in large population cohorts (Lek et al., 2016); Missense variants in this gene are often considered pathogenic (Stenson et al., 2014); In silico analysis, which includes protein predictors and evolutionary conservation, supports a deleterious effect; Has not been previously published as pathogenic or benign to our knowledge